The following is an entry in ClinVar:

ClinVar aggregate classification (germline): Likely pathogenic. Review status: criteria provided, multiple submitters, no conflicts (2 of 4 stars). 2 submissions from 2 submitters: Likely pathogenic (2). Last evaluated 2024-05-01.

Submissions (2):

CeGaT Center for Human Genetics Tuebingen
Classification: Likely pathogenic. Last evaluated: 2024-05-01. Review status: criteria provided, single submitter. Criteria: CeGaT Center For Human Genetics Tuebingen Variant Classification Criteria Version 2. Collection method: clinical testing. Allele origin: germline. Affected: yes. Observed: 1 variant allele.
Comment: AKR1D1: PVS1:Strong, PM2

Labcorp Genetics (formerly Invitae), Labcorp
Classification: Likely pathogenic. Last evaluated: 2020-09-23. Review status: criteria provided, single submitter. Criteria: Invitae Variant Classification Sherloc (09022015). Collection method: clinical testing. Allele origin: germline.
Comment: This variant has not been reported in the literature in individuals with AKR1D1-related disease. Algorithms developed to predict the effect of sequence changes on RNA splicing suggest that this variant may disrupt the consensus splice site, but this prediction has not been confirmed by published transcriptional studies. Donor and acceptor splice site variants typically lead to a loss of protein function (PMID: 16199547), and loss-of-function variants in AKR1D1 are known to be pathogenic (PMID: 12970144, 19175828, 20522910, 21185810, 23679950). In summary, the currently available evidence indicates that the variant is pathogenic, but additional data are needed to prove that conclusively. Therefore, this variant has been classified as Likely Pathogenic. This variant is not present in population databases (ExAC no frequency). This sequence change affects an acceptor splice site in intron 2 of the AKR1D1 gene. It is expected to disrupt RNA splicing and likely results in an absent or disrupted protein product.

Literature cited by the submitters: PubMed 16199547 (cited by Labcorp Genetics (formerly Invitae), Labcorp); PubMed 12970144 (cited by Labcorp Genetics (formerly Invitae), Labcorp); PubMed 19175828 (cited by Labcorp Genetics (formerly Invitae), Labcorp); PubMed 20522910 (cited by Labcorp Genetics (formerly Invitae), Labcorp); PubMed 21185810 (cited by Labcorp Genetics (formerly Invitae), Labcorp); PubMed 23679950 (cited by Labcorp Genetics (formerly Invitae), Labcorp).

NM_005989.4(AKR1D1):c.262-1G>T

Gene: AKR1D1 (aldo-keto reductase family 1 member D1; plus strand). Cytogenetic location: 7q33.
Variant type: single nucleotide variant.
Coding change: c.262-1G>T on transcript NM_005989.4 (MANE Select); the canonical splice acceptor site of the intron before coding-DNA position 262, G replaced by T.
Molecular consequence: splice acceptor variant.
Genome position (GRCh38, 1-based): chr7:138,091,767, G>T. VCF-style: chr7-138091767-G-T. GRCh37 (hg19) VCF-style: chr7-137776513-G-T.
Other names: c.262-1G>T (NM_001190907.2, NM_001190906.2).
Identifiers: ClinVar variation 1066867 (VCV001066867.26), dbSNP rs2117434759, ClinGen allele CA369359131.